The following is an entry in ClinVar:

NM_001365480.1(CCDC88A):c.4240C>T (p.Arg1414Cys)

Gene: CCDC88A (coiled-coil domain containing 88A; minus strand). Cytogenetic location: 2p16.1.
Variant type: single nucleotide variant.
Coding change: c.4240C>T on transcript NM_001365480.1 (MANE Select); coding-DNA position 4240, C replaced by T.
Protein change: p.Arg1414Cys; replaces arginine 1414 with cysteine.
Molecular consequence: missense variant.
Genome position (GRCh38, 1-based): chr2:55,308,956, G>A on the plus strand (C>T on the coding strand, the complement: CCDC88A is on the minus strand). VCF-style: chr2-55308956-G-A. GRCh37 (hg19) VCF-style: chr2-55536092-G-A.
Other names: c.4237C>T, p.Arg1413Cys (NM_001135597.2, NM_001254943.2); c.4240C>T, p.Arg1414Cys (NM_018084.5); c.4237C>T (NM_001135597.1); short protein forms R1413C, R1414C.
Identifiers: ClinVar variation 1410444 (VCV001410444.6), dbSNP rs752512699, ClinGen allele CA1665608.

ClinVar aggregate classification (germline): Uncertain significance. Review status: criteria provided, multiple submitters, no conflicts (2 of 4 stars). 2 submissions from 2 submitters: Uncertain significance (2). Last evaluated 2022-12-13.

Allele frequency attached by ClinVar (database versions not stated): ExAC 0.00001; gnomAD exomes 0.00001 and 0.00002; TOPMed 0.00001.
gnomAD v4.1: 12 of 1,613,956 alleles (0.00074%); highest among the groups gnomAD compares: East Asian, 0.0022%; no homozygotes.

Submissions (2):

Ambry Genetics
Classification: Uncertain significance. Last evaluated: 2022-12-13. Review status: criteria provided, single submitter. Criteria: Ambry Variant Classification Scheme 2023. Collection method: clinical testing. Allele origin: germline.

Labcorp Genetics (formerly Invitae), Labcorp
Classification: Uncertain significance. Last evaluated: 2022-09-01. Review status: criteria provided, single submitter. Criteria: Invitae Variant Classification Sherloc (09022015). Collection method: clinical testing. Allele origin: germline.
Comment: This sequence change replaces arginine, which is basic and polar, with cysteine, which is neutral and slightly polar, at codon 1413 of the CCDC88A protein (p.Arg1413Cys). This variant is present in population databases (rs752512699, gnomAD 0.02%). This variant has not been reported in the literature in individuals affected with CCDC88A-related conditions. ClinVar contains an entry for this variant (Variation ID: 1410444). Algorithms developed to predict the effect of missense changes on protein structure and function are either unavailable or do not agree on the potential impact of this missense change (SIFT: "Deleterious"; PolyPhen-2: "Probably Damaging"; Align-GVGD: "Class C0"). In summary, the available evidence is currently insufficient to determine the role of this variant in disease. Therefore, it has been classified as a Variant of Uncertain Significance.